The following is an entry in ClinVar:

ClinVar aggregate classification (germline): Benign. Review status: criteria provided, multiple submitters, no conflicts (2 of 4 stars). 3 submissions from 3 submitters: Benign (2). 1 of the submissions does not count toward it. Last evaluated 2026-09-01.

Conditions:
MYT1L-related disorder. Also called: MYT1L-related condition.

Submissions (3):

CeGaT Center for Human Genetics Tuebingen
Classification: Benign. Last evaluated: 2026-09-01. Review status: criteria provided, single submitter. Criteria: CeGaT Center For Human Genetics Tuebingen Variant Classification Criteria Version 2. Collection method: clinical testing. Allele origin: germline. Affected: yes. Observed: 16 variant alleles.
Comment: MYT1L: BS1, BS2

GeneDx
Classification: Benign. Last evaluated: 2018-09-24. Review status: criteria provided, single submitter. Criteria: GeneDx Variant Classification Process June 2021. Collection method: clinical testing. Allele origin: germline. Affected: yes.

PreventionGenetics, part of Exact Sciences
Classification: Benign for MYT1L-related condition. Last evaluated: 2019-05-16. Review status: no assertion criteria provided. Collection method: clinical testing. Allele origin: germline. Not counted in ClinVar's aggregate classification.
Comment: This variant is classified as benign based on ACMG/AMP sequence variant interpretation guidelines (Richards et al. 2015 PMID: 25741868, with internal and published modifications).

NM_001303052.2(MYT1L):c.468GGA[5] (p.Glu166_Glu167del)

Gene: MYT1L (myelin transcription factor 1 like; minus strand). Cytogenetic location: 2p25.3.
Variant type: Microsatellite.
Coding change: c.468GGA[5] on transcript NM_001303052.2 (MANE Select); five copies in a row of the 3-base unit GGA starting at c.468; the reference has seven copies in a row; two copies, 6 bases deleted.
Protein change: p.Glu166_Glu167del.
Molecular consequence: inframe deletion.
Genome position (GRCh38, 1-based): chr2:1,942,999-1,943,004, TCCTCC deleted on the plus strand (GGAGGA on the coding strand, the reverse complement: MYT1L is on the minus strand); deleting any 6 consecutive bases within chr2:1,942,999-1,943,021 gives the same sequence; the position shown is the placement nearest the transcript's 3' end. VCF-style (leftmost placement, unchanged base first): chr2-1942998-TTCCTCC-T. GRCh37 (hg19) VCF-style: chr2-1946770-TTCCTCC-T.
Other names: c.468GGA[5], p.Glu166_Glu167del (NM_001329844.2, NM_001329845.1, NM_001329846.3 and 6 more transcripts); c.483_488del6 (NM_001303052.1).
Identifiers: ClinVar variation 1270741 (VCV001270741.5), dbSNP rs148009982, ClinGen allele CA1514389.